The following is an entry in ClinVar:

ClinVar aggregate classification (germline): Uncertain significance. Review status: criteria provided, multiple submitters, no conflicts (2 of 4 stars). 3 submissions from 3 submitters: Uncertain significance (3). Last evaluated 2024-03-11.

Conditions:
Fanconi anemia (FA). Also called: Fanconi's anemia. Identifiers: Orphanet 84, MedGen C0015625, MeSH D005199, MONDO:0019391.
Fanconi anemia complementation group G. Also called: Fanconi anemia group G; FANCG-Related Fanconi Anemia. Identifiers: Orphanet 84, MedGen C3469527, MONDO:0013565, OMIM 614082.

Allele frequency attached by ClinVar (database versions not stated): TOPMed 0.00001; ESP Exome Variant Server 0.00008.
gnomAD v4.1: 6 of 1,614,122 alleles (0.00037%); highest among the groups gnomAD compares: Non-Finnish European, 0.00051%; no homozygotes.

Submissions (3):

Fulgent Genetics
Classification: Uncertain significance for Fanconi anemia complementation group G. Last evaluated: 2024-03-11. Review status: criteria provided, single submitter. Criteria: ACMG Guidelines, 2015. Collection method: clinical testing. Allele origin: germline.

GeneDx
Classification: Uncertain significance. Last evaluated: 2023-04-11. Review status: criteria provided, single submitter. Criteria: GeneDx Variant Classification Process June 2021. Collection method: clinical testing. Allele origin: germline. Affected: yes.
Comment: Not observed at significant frequency in large population cohorts (gnomAD); In silico analysis supports that this missense variant does not alter protein structure/function; Has not been previously published as pathogenic or benign to our knowledge

Labcorp Genetics (formerly Invitae), Labcorp
Classification: Uncertain significance for Fanconi anemia. Last evaluated: 2021-08-20. Review status: criteria provided, single submitter. Criteria: Invitae Variant Classification Sherloc (09022015). Collection method: clinical testing. Allele origin: germline.
Comment: This sequence change replaces arginine with methionine at codon 573 of the FANCG protein (p.Arg573Met). The arginine residue is weakly conserved and there is a moderate physicochemical difference between arginine and methionine. This variant is present in population databases (rs200466062, ExAC 0.005%). This variant has not been reported in the literature in individuals affected with FANCG-related conditions. Algorithms developed to predict the effect of missense changes on protein structure and function are either unavailable or do not agree on the potential impact of this missense change (SIFT: "Deleterious"; PolyPhen-2: "Possibly Damaging"; Align-GVGD: "Class C0"). In summary, the available evidence is currently insufficient to determine the role of this variant in disease. Therefore, it has been classified as a Variant of Uncertain Significance.

NM_004629.2(FANCG):c.1718G>T (p.Arg573Met)

Gene: FANCG (FA complementation group G; minus strand). Cytogenetic location: 9p13.3.
Variant type: single nucleotide variant.
Coding change: c.1718G>T on transcript NM_004629.2 (MANE Select); coding-DNA position 1718, G replaced by T.
Protein change: p.Arg573Met; replaces arginine 573 with methionine.
Molecular consequence: missense variant.
Genome position (GRCh38, 1-based): chr9:35,074,413, C>A on the plus strand (G>T on the coding strand, the complement: FANCG is on the minus strand). VCF-style: chr9-35074413-C-A. GRCh37 (hg19) VCF-style: chr9-35074410-C-A.
Other names: c.1718G>T (NM_004629.1); short protein forms R573M.
Identifiers: ClinVar variation 1004290 (VCV001004290.4), dbSNP rs200466062, ClinGen allele CA5039647.